The following is an entry in ClinVar:

ClinVar aggregate classification (germline): Pathogenic (1 of 4 stars; one submission).

Conditions:
Ehlers-Danlos syndrome, classic type, 2 (EDSCL2). Also called: Ehlers-Danlos syndrome, type 2; Ehlers-Danlos syndrome type 2 (formerly); Ehlers-Danlos Syndrome, Classic Type, COL5A2-Related. Identifiers: Orphanet 287, Orphanet 90318, MedGen C0268336, MONDO:0019568, OMIM 130010.

Submission:

Centre for Mendelian Genomics, University Medical Centre Ljubljana
Classification: Pathogenic for Ehlers-Danlos syndrome, classic type, 2. Last evaluated: 2019-09-24. Review status: criteria provided, single submitter. Criteria: ACMG Guidelines, 2015. Collection method: clinical testing. Allele origin: unknown. Affected: yes.
Comment: This variant was classified as: Pathogenic. The following ACMG criteria were applied in classifying this variant: PVS1,PM2,PP4.

NM_000093.5(COL5A1):c.2731C>T (p.Gln911Ter)

Gene: COL5A1 (collagen type V alpha 1 chain; plus strand). Cytogenetic location: 9q34.3.
Variant type: single nucleotide variant.
Coding change: c.2731C>T on transcript NM_000093.5 (MANE Select); coding-DNA position 2731, C replaced by T.
Protein change: p.Gln911Ter; replaces glutamine 911 with a stop codon.
Molecular consequence: nonsense.
Genome position (GRCh38, 1-based): chr9:134,795,112, C>T. VCF-style: chr9-134795112-C-T. GRCh37 (hg19) VCF-style: chr9-137686958-C-T.
Other names: c.2731C>T, p.Gln911Ter (NM_001278074.1); short protein forms Q911*.
Identifiers: ClinVar variation 930611 (VCV000930611.3), dbSNP rs1837850102, ClinGen allele CA375456509.